The following is an entry in ClinVar:

ClinVar aggregate classification (germline): Pathogenic (1 of 4 stars; one submission).

Conditions:
Glycogen storage disease type III (GSD3). Also called: Cori disease; FORBES DISEASE. Identifiers: Orphanet 366, MedGen C0017922, MONDO:0009291, OMIM 232400.

Submission:

Labcorp Genetics (formerly Invitae), Labcorp
Classification: Pathogenic for Glycogen storage disease type III. Last evaluated: 2023-10-29. Review status: criteria provided, single submitter. Criteria: Invitae Variant Classification Sherloc (09022015). Collection method: clinical testing. Allele origin: germline.
Comment: This sequence change creates a premature translational stop signal (p.Asp723Lysfs*3) in the AGL gene. It is expected to result in an absent or disrupted protein product. Loss-of-function variants in AGL are known to be pathogenic (PMID: 19299494). This variant is not present in population databases (gnomAD no frequency). This variant has not been reported in the literature in individuals affected with AGL-related conditions. For these reasons, this variant has been classified as Pathogenic.

Literature cited by the submitters: PubMed 19299494.

NM_000642.3(AGL):c.2167_2179del (p.Asp723fs)

Gene: AGL (amylo-alpha-1,6-glucosidase and 4-alpha-glucanotransferase; plus strand). Cytogenetic location: 1p21.2.
Variant type: Deletion.
Coding change: c.2167_2179del on transcript NM_000642.3 (MANE Select); coding-DNA positions 2167 to 2179, 13 bases deleted (GATCAAGTTGATG).
Protein change: p.Asp723fs; shifts the reading frame from aspartic acid 723.
Molecular consequence: frameshift variant.
Genome position (GRCh38, 1-based): chr1:99,881,550-99,881,562, GATCAAGTTGATG deleted; deleting any 13 consecutive bases within chr1:99,881,548-99,881,562 gives the same sequence; the c. name uses the placement nearest the transcript's 3' end. VCF-style (leftmost placement, unchanged base first): chr1-99881547-GTGGATCAAGTTGA-G. GRCh37 (hg19) VCF-style: chr1-100347103-GTGGATCAAGTTGA-G.
Other names: c.2167_2179delGATCAAGTTGATG, p.Asp723Lysfs (NM_000028.3, NM_000643.3, NM_000644.3 and 2 more transcripts); c.2119_2131delGATCAAGTTGATG, p.Asp707Lysfs (NM_000646.3); c.1966_1978delGATCAAGTTGATG, p.Asp656Lysfs (NM_001425327.1); c.1963_1975delGATCAAGTTGATG, p.Asp655Lysfs (NM_001425328.1, NM_001425329.1); c.1789_1801delGATCAAGTTGATG, p.Asp597Lysfs (NM_001425332.1); short protein forms D707fs, D723fs.
Identifiers: ClinVar variation 2891504 (VCV002891504.3), dbSNP rs2524653447, ClinGen allele CA2739272695.